The following is an entry in ClinVar:

NM_152309.3(PIK3AP1):c.2387C>A (p.Pro796His)

Gene: PIK3AP1 (phosphoinositide-3-kinase adaptor protein 1; minus strand). Cytogenetic location: 10q24.1.
Variant type: single nucleotide variant.
Coding change: c.2387C>A on transcript NM_152309.3 (MANE Select); coding-DNA position 2387, C replaced by A.
Protein change: p.Pro796His; replaces proline 796 with histidine.
Molecular consequence: missense variant.
Genome position (GRCh38, 1-based): chr10:96,595,608, G>T on the plus strand (C>A on the coding strand, the complement: PIK3AP1 is on the minus strand). VCF-style: chr10-96595608-G-T. GRCh37 (hg19) VCF-style: chr10-98355365-G-T.
Other names: short protein forms P796H.
Identifiers: ClinVar variation 1407144 (VCV001407144.8), dbSNP rs746172807, ClinGen allele CA5625969.

ClinVar aggregate classification (germline): Uncertain significance (1 of 4 stars; one submission).

Conditions:
Infantile spasms. Also called: Infantile spasm. Identifiers: MedGen C3887898, HP:0012469.

gnomAD v4.1: 4 of 1,613,324 alleles (0.00025%); highest among the groups gnomAD compares: Admixed American, 0.0067%; no homozygotes.

Submission:

Labcorp Genetics (formerly Invitae), Labcorp
Classification: Uncertain significance for Infantile spasms. Last evaluated: 2022-06-27. Review status: criteria provided, single submitter. Criteria: Invitae Variant Classification Sherloc (09022015). Collection method: clinical testing. Allele origin: germline.
Comment: This sequence change replaces proline, which is neutral and non-polar, with histidine, which is basic and polar, at codon 796 of the PIK3AP1 protein (p.Pro796His). This variant is present in population databases (rs746172807, gnomAD 0.01%). This variant has not been reported in the literature in individuals affected with PIK3AP1-related conditions. Algorithms developed to predict the effect of missense changes on protein structure and function are either unavailable or do not agree on the potential impact of this missense change (SIFT: "Deleterious"; PolyPhen-2: "Probably Damaging"; Align-GVGD: "Class C0"). In summary, the available evidence is currently insufficient to determine the role of this variant in disease. Therefore, it has been classified as a Variant of Uncertain Significance.